The following is an entry in ClinVar:

NM_004260.4(RECQL4):c.1414G>A (p.Ala472Thr)

Gene: RECQL4 (RecQ like helicase 4; minus strand). Cytogenetic location: 8q24.3.
Variant type: single nucleotide variant.
Coding change: c.1414G>A on transcript NM_004260.4 (MANE Select); coding-DNA position 1414, G replaced by A.
Protein change: p.Ala472Thr; replaces alanine 472 with threonine.
Molecular consequence: missense variant. On other transcripts: 5 prime UTR variant (1), non-coding transcript variant (3).
Genome position (GRCh38, 1-based): chr8:144,515,219, C>T on the plus strand (G>A on the coding strand, the complement: RECQL4 is on the minus strand). VCF-style: chr8-144515219-C-T. GRCh37 (hg19) VCF-style: chr8-145740603-C-T.
Other names: c.1318G>A, p.Ala440Thr (NM_001413017.1, NM_001413020.1); c.1414G>A, p.Ala472Thr (NM_001413018.1, NM_001413019.1, NM_001413033.1 and 2 more transcripts); c.343G>A, p.Ala115Thr (NM_001413021.1, NM_001413022.1, NM_001413023.1 and 8 more transcripts); c.1285G>A, p.Ala429Thr (NM_001413025.1); c.277G>A, p.Ala93Thr (NM_001413027.1, NM_001413030.1, NM_001413031.1 and 2 more transcripts); c.1063G>A, p.Ala355Thr (NM_001413029.1); c.-54G>A (NM_001413043.1); short protein forms A355T, A440T, A429T, A472T, A115T, A93T.
Identifiers: ClinVar variation 3944312 (VCV003944312.1).

ClinVar aggregate classification (germline): Uncertain significance (1 of 4 stars; one submission).

Conditions:
Inborn genetic diseases. Identifiers: MedGen C0950123, MeSH D030342.

gnomAD v4.1: 4 of 1,578,810 alleles (0.00025%); highest among the groups gnomAD compares: East Asian, 0.007%; no homozygotes.

Submission:

Ambry Genetics
Classification: Uncertain significance for Inborn genetic diseases. Last evaluated: 2025-05-09. Review status: criteria provided, single submitter. Criteria: Ambry Variant Classification Scheme 2023. Collection method: clinical testing. Allele origin: germline.
Comment: The p.A472T variant (also known as c.1414G>A), located in coding exon 8 of the RECQL4 gene, results from a G to A substitution at nucleotide position 1414. The alanine at codon 472 is replaced by threonine, an amino acid with similar properties. This amino acid position is conserved. In addition, the in silico prediction for this alteration is inconclusive. Based on the available evidence, the clinical significance of this variant remains unclear.